The following is an entry in ClinVar:

NM_019842.4(KCNQ5):c.155C>A (p.Ala52Asp)

Genes: KCNQ5 (potassium voltage-gated channel subfamily Q member 5; plus strand), KCNQ5-DT (KCNQ5 divergent transcript; minus strand). Cytogenetic location: 6q13.
Variant type: single nucleotide variant.
Coding change: c.155C>A on transcript NM_019842.4 (MANE Select); coding-DNA position 155, C replaced by A.
Protein change: p.Ala52Asp; replaces alanine 52 with aspartic acid.
Molecular consequence: missense variant.
Genome position (GRCh38, 1-based): chr6:72,622,344, C>A. VCF-style: chr6-72622344-C-A. GRCh37 (hg19) VCF-style: chr6-73332072-C-A.
Other names: c.155C>A, p.Ala52Asp (NM_001160130.2, NM_001160132.2, NM_001160133.2 and 1 more transcripts); short protein forms A52D.
Identifiers: ClinVar variation 4801372 (VCV004801372.1).

ClinVar aggregate classification (germline): Uncertain significance (1 of 4 stars; one submission).

Submission:

Labcorp Genetics (formerly Invitae), Labcorp
Classification: Uncertain significance. Last evaluated: 2025-12-09. Review status: criteria provided, single submitter. Criteria: Invitae Variant Classification Sherloc (09022015). Collection method: clinical testing. Allele origin: germline.
Comment: This sequence change replaces alanine, which is neutral and non-polar, with aspartic acid, which is acidic and polar, at codon 52 of the KCNQ5 protein (p.Ala52Asp). This variant is not present in population databases (gnomAD no frequency). This variant has not been reported in the literature in individuals affected with KCNQ5-related conditions. Invitae Evidence Modeling of protein sequence and biophysical properties (such as structural, functional, and spatial information, amino acid conservation, physicochemical variation, residue mobility, and thermodynamic stability) indicates that this missense variant is not expected to disrupt KCNQ5 protein function with a negative predictive value of 95%. In summary, the available evidence is currently insufficient to determine the role of this variant in disease. Therefore, it has been classified as a Variant of Uncertain Significance.